The following is an entry in ClinVar:

ClinVar aggregate classification (germline): Pathogenic/Likely pathogenic. Review status: criteria provided, multiple submitters, no conflicts (2 of 4 stars). 3 submissions from 3 submitters: Pathogenic (1); Likely pathogenic (2). Last evaluated 2021-07-26.

Conditions:
Osteogenesis imperfecta type I (OI1). Also called: Lobstein disease; Lobstein's Disease; Osteogenesis imperfecta type 1; Classic Non-deforming Osteogenesis Imperfecta with Blue Sclerae; OI, TYPE I; OSTEOGENESIS IMPERFECTA TARDA. Identifiers: Orphanet 216796, Orphanet 666, MedGen C0023931, MONDO:0008146, OMIM 166200. Disease mechanism: loss of function.
Osteogenesis imperfecta (OI). Identifiers: Orphanet 666, MedGen C0029434, MeSH D010013, MONDO:0019019.

Submissions (3):

Labcorp Genetics (formerly Invitae), Labcorp
Classification: Pathogenic for Osteogenesis imperfecta type I. Last evaluated: 2021-07-26. Review status: criteria provided, single submitter. Criteria: Invitae Variant Classification Sherloc (09022015). Collection method: clinical testing. Allele origin: germline.
Comment: For these reasons, this variant has been classified as Pathogenic. This variant disrupts the p.Gly818 amino acid residue in COL1A1. Other variant(s) that disrupt this residue have been observed in individuals with COL1A1-related conditions (PMID: 28817112), which suggests that this may be a clinically significant amino acid residue. This variant disrupts the triple helix domain of COL1A1. Glycine residues within the Gly-Xaa-Yaa repeats of the triple helix domain are required for the structure and stability of fibrillar collagens (PMID: 7695699, 8218237, 19344236). In COL1A1, variants affecting these glycine residues are significantly enriched in individuals with disease (PMID: 9016532, 17078022) compared to the general population (ExAC). Algorithms developed to predict the effect of missense changes on protein structure and function are either unavailable or do not agree on the potential impact of this missense change (SIFT: "Deleterious"; PolyPhen-2: "Not Available"; Align-GVGD: "Class C55"). ClinVar contains an entry for this variant (Variation ID: 691326). This variant has been observed in individual(s) with clinical features of osteogenesis imperfecta (Invitae). This variant is not present in population databases (ExAC no frequency). This sequence change replaces glycine with serine at codon 818 of the COL1A1 protein (p.Gly818Ser). The glycine residue is highly conserved and there is a small physicochemical difference between glycine and serine.

Genome Diagnostics Laboratory, The Hospital for Sick Children
Classification: Likely pathogenic for Osteogenesis imperfecta. Last evaluated: 2020-02-01. Review status: criteria provided, single submitter. Criteria: ACMG Guidelines, 2015. Collection method: clinical testing. Allele origin: germline.

Genetics Department, Polish Mother's Memorial Hospital Research Institute
Classification: Likely pathogenic for Osteogenesis imperfecta. Last evaluated: 2019-07-11. Review status: criteria provided, single submitter. Criteria: ACMG Guidelines, 2015. Collection method: research. Allele origin: unknown. Affected: yes. Observed: 1 variant allele.

Literature cited by the submitters: PubMed 28817112 (cited by Labcorp Genetics (formerly Invitae), Labcorp); PubMed 7695699 (cited by Labcorp Genetics (formerly Invitae), Labcorp); PubMed 8218237 (cited by Labcorp Genetics (formerly Invitae), Labcorp); PubMed 19344236 (cited by Labcorp Genetics (formerly Invitae), Labcorp); PubMed 9016532 (cited by Labcorp Genetics (formerly Invitae), Labcorp); PubMed 17078022 (cited by Labcorp Genetics (formerly Invitae), Labcorp).

NM_000088.4(COL1A1):c.2452G>A (p.Gly818Ser)

Gene: COL1A1 (collagen type I alpha 1 chain; minus strand). Cytogenetic location: 17q21.33.
Variant type: single nucleotide variant.
Coding change: c.2452G>A on transcript NM_000088.4 (MANE Select); coding-DNA position 2452, G replaced by A.
Protein change: p.Gly818Ser; replaces glycine 818 with serine.
Molecular consequence: missense variant.
Genome position (GRCh38, 1-based): chr17:50,190,108, C>T on the plus strand (G>A on the coding strand, the complement: COL1A1 is on the minus strand). VCF-style: chr17-50190108-C-T. GRCh37 (hg19) VCF-style: chr17-48267469-C-T.
Other names: short protein forms G818S.
Identifiers: ClinVar variation 691326 (VCV000691326.14), dbSNP rs1598290382, ClinGen allele CA400207896.
Genomic context (GRCh38, chr17:50,190,108, plus strand): 5'-CATCGCCTTTAGCACCAGCATCACCAGGTTCGCCTTTAGCACCAGGTTGGCCGTCAGCAC[C>T]CTGGGGGAGGAAGCAGGGCGGTGAATGGAGGGAAGGAGGCAGGAGTTTCCACTACCTGGG-3'
Protein context (NP_000079.2, residues 808-828): PGPAGFAGPP[Gly818Ser]ADGQPGAKGE